The following is an entry in ClinVar:

NM_032383.5(HPS3):c.2543_2544delinsTGATCGTCGTGCTGCTGAG (p.Asp848fs)

Genes: CP (ceruloplasmin; minus strand), HPS3 (HPS3 biogenesis of lysosomal organelles complex 2 subunit 1; plus strand). Cytogenetic location: 3q24.
Variant type: Indel.
Coding change: c.2543_2544delinsTGATCGTCGTGCTGCTGAG on transcript NM_032383.5 (MANE Select); coding-DNA positions 2543 to 2544, AT replaced by TGATCGTCGTGCTGCTGAG.
Protein change: p.Asp848fs; shifts the reading frame from aspartic acid 848.
Molecular consequence: frameshift variant.
Genome position (GRCh38, 1-based): chr3:149,163,903-149,163,904, AT replaced by TGATCGTCGTGCTGCTGAG. VCF-style: chr3-149163903-AT-TGATCGTCGTGCTGCTGAG. GRCh37 (hg19) VCF-style: chr3-148881690-AT-TGATCGTCGTGCTGCTGAG.
Other names: c.2048_2049delinsTGATCGTCGTGCTGCTGAG, p.Asp683fs (NM_001308258.2); short protein forms D683fs, D848fs.
Identifiers: ClinVar variation 5010350 (VCV005010350.1).
Genomic context (GRCh38, chr3:149,163,903, plus strand): 5'-TAAATGCCTGTAGTCATTATGGCTTAATTTATCCATGGGTTCACGTCGTAATATCATCTG[AT>TGATCGTCGTGCTGCTGAG]TCTTTAGCTGATAAAAATTATACAGAAGATCTTTCAAAATTACAGGTAAGTAAAAATACC-3'

ClinVar aggregate classification (germline): Pathogenic (1 of 4 stars; one submission).

Conditions:
Hermansky-Pudlak syndrome 3 (HPS3). Identifiers: Orphanet 231512, Orphanet 79430, MedGen C3888001, MONDO:0013555, OMIM 614072.

Submission:

Myriad Genetics, Inc.
Classification: Pathogenic for Hermansky-Pudlak syndrome 3. Last evaluated: 2024-05-14. Review status: criteria provided, single submitter. Criteria: Myriad Autosomal Dominant, Autosomal Recessive and X-Linked Classification Criteria (2023). Collection method: clinical testing. Allele origin: unknown.
Comment: NM_032383.3(HPS3):c.2543_2544del2ins19(D848Vfs*9) is expected to be pathogenic in the context of Hermansky-Pudlak syndrome, HPS3-related. This variant is predicted to lead to an abnormal or absent protein product due to the creation of a premature termination codon in HPS3, a gene where loss-of-function variants are known to be pathogenic. Please note: this variant was assessed in the context of healthy population screening.